The following is an entry in ClinVar:

NM_004370.6(COL12A1):c.4924G>T (p.Glu1642Ter)

Gene: COL12A1 (collagen type XII alpha 1 chain; minus strand). Cytogenetic location: 6q13.
Variant type: single nucleotide variant.
Coding change: c.4924G>T on transcript NM_004370.6 (MANE Select); coding-DNA position 4924, G replaced by T.
Protein change: p.Glu1642Ter; replaces glutamic acid 1642 with a stop codon.
Molecular consequence: nonsense.
Genome position (GRCh38, 1-based): chr6:75,142,065, C>A on the plus strand (G>T on the coding strand, the complement: COL12A1 is on the minus strand). VCF-style: chr6-75142065-C-A. GRCh37 (hg19) VCF-style: chr6-75851781-C-A.
Other names: c.1432G>T, p.Glu478Ter (NM_080645.3); short protein forms E1642*, E478*.
Identifiers: ClinVar variation 1986717 (VCV001986717.5), dbSNP rs2533337643, ClinGen allele CA364740504.

ClinVar aggregate classification (germline): Pathogenic. Review status: criteria provided, multiple submitters, no conflicts (2 of 4 stars). 2 submissions from 2 submitters: Pathogenic (2). Last evaluated 2026-05-27.

Conditions:
Ullrich congenital muscular dystrophy 2 (UCMD2). Identifiers: Orphanet 75840, MedGen C4225314, MONDO:0014654, OMIM 616470.
Bethlem myopathy 2 (BTHLM2). Identifiers: Orphanet 536516, Orphanet 610, MedGen C4225313, MONDO:0034022, OMIM 616471.

Submissions (2):

Women's Health and Genetics/Laboratory Corporation of America, LabCorp
Classification: Pathogenic for Ullrich congenital muscular dystrophy 2. Last evaluated: 2026-05-27. Review status: criteria provided, single submitter. Criteria: LabCorp Variant Classification Summary - May 2015. Collection method: clinical testing. Allele origin: germline.
Comment: Variant summary: COL12A1 c.4924G>T (p.Glu1642X) results in a premature termination codon, predicted to cause a truncation of the encoded protein or absence of the protein due to nonsense mediated decay, which are commonly known mechanisms for disease. The variant was absent in 249290 control chromosomes. To our knowledge, no occurrence of c.4924G>T in individuals affected with COL12A1-related conditions and no experimental evidence demonstrating its impact on protein function have been reported. ClinVar contains an entry for this variant (Variation ID: 1986717). To our knowledge, this variant has not been reported in individuals with autosomal dominant Bethlem myopathy 2. Based on the evidence outlined above, the variant was classified as pathogenic for autosomal recessive Ullrich congenital muscular dystrophy 2.

Labcorp Genetics (formerly Invitae), Labcorp
Classification: Pathogenic for Bethlem myopathy 2; Ullrich congenital muscular dystrophy 2. Last evaluated: 2022-07-05. Review status: criteria provided, single submitter. Criteria: Invitae Variant Classification Sherloc (09022015). Collection method: clinical testing. Allele origin: germline.
Comment: For these reasons, this variant has been classified as Pathogenic. This variant has not been reported in the literature in individuals affected with COL12A1-related conditions. This variant is not present in population databases (gnomAD no frequency). This sequence change creates a premature translational stop signal (p.Glu1642*) in the COL12A1 gene. It is expected to result in an absent or disrupted protein product. Loss-of-function variants in COL12A1 are known to be pathogenic (PMID: 24334604, 28973083).

Literature cited by the submitters: PubMed 24334604 (cited by Labcorp Genetics (formerly Invitae), Labcorp); PubMed 28973083 (cited by Labcorp Genetics (formerly Invitae), Labcorp).